The following is an entry in ClinVar:

NM_006031.6(PCNT):c.2374C>T (p.Arg792Ter)

Gene: PCNT (pericentrin; plus strand). Cytogenetic location: 21q22.3.
Variant type: single nucleotide variant.
Coding change: c.2374C>T on transcript NM_006031.6 (MANE Select); coding-DNA position 2374, C replaced by T.
Protein change: p.Arg792Ter; replaces arginine 792 with a stop codon.
Molecular consequence: nonsense.
Genome position (GRCh38, 1-based): chr21:46,363,699, C>T. VCF-style: chr21-46363699-C-T. GRCh37 (hg19) VCF-style: chr21-47783614-C-T.
Other names: c.2020C>T, p.Arg674Ter (NM_001315529.2); short protein forms R792*, R674*.
Identifiers: ClinVar variation 191168 (VCV000191168.6), dbSNP rs151020551, ClinGen allele CA236169.

ClinVar aggregate classification (germline): Pathogenic/Likely pathogenic. Review status: criteria provided, multiple submitters, no conflicts (2 of 4 stars). 4 submissions from 4 submitters: Pathogenic (2); Likely pathogenic (2). Last evaluated 2025-10-02.

Conditions:
Microcephalic osteodysplastic primordial dwarfism type II (MOPD2). Also called: MOPD II; OSTEODYSPLASTIC PRIMORDIAL DWARFISM, TYPE II; Microcephalic osteodysplastic primordial dwarfism with tooth abnormalities. Identifiers: Orphanet 2637, MedGen C0432246, MONDO:0008872, OMIM 210720.

Allele frequency attached by ClinVar (database versions not stated): TOPMed 0.00001; ESP Exome Variant Server 0.00008; ExAC 0.00001.
gnomAD v4.1: 1 of 1,614,188 alleles (0.000062%); highest among the groups gnomAD compares: Non-Finnish European, 0.000085%; no homozygotes.

Submissions (4):

Variantyx, Inc.
Classification: Likely pathogenic for Microcephalic osteodysplastic primordial dwarfism type II. Last evaluated: 2025-10-02. Review status: criteria provided, single submitter. Criteria: Variantyx Assertion Criteria 2022. Collection method: clinical testing. Allele origin: germline. Inheritance: Autosomal recessive inheritance. Affected: yes.
Comment: This is a nonsense variant in the PCNT gene (OMIM: 605925). Pathogenic variants in this gene have been associated with autosomal recessive microcephalic osteodysplastic primordial dwarfism, type II. This variant has been reported in the homozygous state in one affected individual (PMID: 27124789, 30214071). The alteration introduces a premature termination codon in exon 14 out of 47 and is expected to result in loss of function, which is a known disease mechanism for PCNT in this disorder (PMID: 18174396, 22821869) (PVS1). This variant has a 0.0001% maximum allele frequency in non-founder control populations (PM2). Based on the current evidence, this variant is classified as likely pathogenic for autosomal recessive microcephalic osteodysplastic primordial dwarfism, type II.

Labcorp Genetics (formerly Invitae), Labcorp
Classification: Pathogenic. Last evaluated: 2023-05-26. Review status: criteria provided, single submitter. Criteria: Invitae Variant Classification Sherloc (09022015). Collection method: clinical testing. Allele origin: germline.
Comment: This variant is present in population databases (rs151020551, gnomAD 0.0009%). This sequence change creates a premature translational stop signal (p.Arg792*) in the PCNT gene. It is expected to result in an absent or disrupted protein product. Loss-of-function variants in PCNT are known to be pathogenic (PMID: 18174396, 22821869). This premature translational stop signal has been observed in individual(s) with PCNT-related conditions (PMID: 30214071). For these reasons, this variant has been classified as Pathogenic. ClinVar contains an entry for this variant (Variation ID: 191168).

3billion
Classification: Pathogenic for Microcephalic osteodysplastic primordial dwarfism type II. Last evaluated: 2022-03-22. Review status: criteria provided, single submitter. Criteria: ACMG Guidelines, 2015. Collection method: clinical testing. Allele origin: germline. Affected: yes. Observed: 1 homozygote.
Comment: Stop-gained (nonsense): predicted to result in a loss or disruption of normal protein function through nonsense-mediated decay (NMD) or protein truncation. Multiple pathogenic variants are reported downstream of the variant. This variant has been reported as pathogenic (ClinVar ID: VCV000191168, PMID:27124789). It is not observed in the gnomAD v2.1.1 dataset. Therefore, this variant is classified as pathogenic according to the recommendation of ACMG/AMP guideline.

Genomic Medicine Center of Excellence, King Faisal Specialist Hospital and Research Centre
Classification: Likely pathogenic. Review status: criteria provided, single submitter. Criteria: ACMG Guidelines, 2015. Collection method: research. Allele origin: germline. Affected: yes.

Literature cited by the submitters: PubMed 18174396 (cited by Variantyx, Inc. and Labcorp Genetics (formerly Invitae), Labcorp); PubMed 22821869 (cited by Variantyx, Inc. and Labcorp Genetics (formerly Invitae), Labcorp); PubMed 30214071 (cited by Labcorp Genetics (formerly Invitae), Labcorp); PubMed 27124789 (cited by 3billion).